The following is an entry in ClinVar:

ClinVar aggregate classification (germline): Pathogenic (1 of 4 stars; one submission).

Conditions:
Spastic paraplegia. Identifiers: MedGen C0037772, HP:0001258.

Submission:

Labcorp Genetics (formerly Invitae), Labcorp
Classification: Pathogenic for Spastic paraplegia. Last evaluated: 2019-03-15. Review status: criteria provided, single submitter. Criteria: Invitae Variant Classification Sherloc (09022015). Collection method: clinical testing. Allele origin: germline.
Comment: This sequence change creates a premature translational stop signal (p.Glu68*) in the SLC16A2 gene. It is expected to result in an absent or disrupted protein product. This variant is not present in population databases (ExAC no frequency). This variant has not been reported in the literature in individuals with SLC16A2-related conditions. Loss-of-function variants in SLC16A2 are known to be pathogenic (PMID: 20083155, 25527620). For these reasons, this variant has been classified as Pathogenic.

Literature cited by the submitters: PubMed 20083155; PubMed 25527620.

NM_006517.5(SLC16A2):c.202G>T (p.Glu68Ter)

Gene: SLC16A2 (solute carrier family 16 member 2; plus strand). Cytogenetic location: Xq13.2.
Variant type: single nucleotide variant.
Coding change: c.202G>T on transcript NM_006517.5 (MANE Select); coding-DNA position 202, G replaced by T.
Protein change: p.Glu68Ter; replaces glutamic acid 68 with a stop codon.
Molecular consequence: nonsense.
Genome position (GRCh38, 1-based): chrX:74,421,839, G>T. VCF-style: chrX-74421839-G-T. GRCh37 (hg19) VCF-style: chrX-73641674-G-T.
Other names: short protein forms E68*.
Identifiers: ClinVar variation 861274 (VCV000861274.7), dbSNP rs1034820850, ClinGen allele CA413655987.